The following is an entry in ClinVar:

ClinVar aggregate classification (germline): Uncertain significance (1 of 4 stars; one submission).

Conditions:
Hyperammonemia, type III (NAGSD). Also called: Hyperammonemia due to N-acetylglutamate synthase deficiency. Identifiers: Orphanet 927, MedGen C0268543, MONDO:0009377, OMIM 237310.

Allele frequency attached by ClinVar (database versions not stated): TOPMed below 0.00001; gnomAD 0.00001.
gnomAD v4.1: 5 of 1,591,806 alleles (0.00031%); highest among the groups gnomAD compares: Admixed American, 0.0036%; no homozygotes.

Submission:

Labcorp Genetics (formerly Invitae), Labcorp
Classification: Uncertain significance for Hyperammonemia, type III. Last evaluated: 2022-04-24. Review status: criteria provided, single submitter. Criteria: Invitae Variant Classification Sherloc (09022015). Collection method: clinical testing. Allele origin: germline.
Comment: This sequence change replaces alanine, which is neutral and non-polar, with valine, which is neutral and non-polar, at codon 179 of the NAGS protein (p.Ala179Val). The frequency data for this variant in the population databases is considered unreliable, as metrics indicate poor data quality at this position in the gnomAD database. This variant has not been reported in the literature in individuals affected with NAGS-related conditions. Algorithms developed to predict the effect of missense changes on protein structure and function (SIFT, PolyPhen-2, Align-GVGD) all suggest that this variant is likely to be tolerated. In summary, the available evidence is currently insufficient to determine the role of this variant in disease. Therefore, it has been classified as a Variant of Uncertain Significance.

NM_153006.3(NAGS):c.536C>T (p.Ala179Val)

Gene: NAGS (N-acetylglutamate synthase; plus strand). Cytogenetic location: 17q21.31.
Variant type: single nucleotide variant.
Coding change: c.536C>T on transcript NM_153006.3 (MANE Select); coding-DNA position 536, C replaced by T.
Protein change: p.Ala179Val; replaces alanine 179 with valine.
Molecular consequence: missense variant.
Genome position (GRCh38, 1-based): chr17:44,005,746, C>T. VCF-style: chr17-44005746-C-T. GRCh37 (hg19) VCF-style: chr17-42083114-C-T.
Other names: short protein forms A179V.
Identifiers: ClinVar variation 2146317 (VCV002146317.1), dbSNP rs1470196740, ClinGen allele CA399724960.